The following is an entry in ClinVar:

ClinVar aggregate classification (germline): Uncertain significance (1 of 4 stars; one submission).

Allele frequency attached by ClinVar (database versions not stated): gnomAD exomes 0.00001.
gnomAD v4.1: 4 of 1,613,974 alleles (0.00025%); highest among the groups gnomAD compares: Admixed American, 0.0017%; no homozygotes.

Submission:

GeneDx
Classification: Uncertain significance. Last evaluated: 2019-01-04. Review status: criteria provided, single submitter. Criteria: GeneDx Variant Classification (06012015). Collection method: clinical testing. Allele origin: germline. Affected: yes.
Comment: The A203P variant in the COL1A2 gene has not been reported previously as a pathogenic variant, nor as a benign variant, to our knowledge. The A203P variant is not observed in large population cohorts (Lek et al., 2016; 1000 Genomes Consortium et al., 2015; Exome Variant Server). The A203P variant is a semi-conservative amino acid substitution, which may impact secondary protein structure as these residues differ in some properties. This substitution occurs at a position that is conserved across species. In silico analysis is inconsistent in its predictions as to whether or not the variant is damaging to the protein structure/function. We interpret A203P as a variant of uncertain significance.

NM_000089.4(COL1A2):c.607G>C (p.Ala203Pro)

Gene: COL1A2 (collagen type I alpha 2 chain; plus strand). Cytogenetic location: 7q21.3.
Variant type: single nucleotide variant.
Coding change: c.607G>C on transcript NM_000089.4 (MANE Select); coding-DNA position 607, G replaced by C.
Protein change: p.Ala203Pro; replaces alanine 203 with proline.
Molecular consequence: missense variant.
Genome position (GRCh38, 1-based): chr7:94,407,859, G>C. VCF-style: chr7-94407859-G-C. GRCh37 (hg19) VCF-style: chr7-94037171-G-C.
Other names: short protein forms A203P.
Identifiers: ClinVar variation 432608 (VCV000432608.2), dbSNP rs1198800868, ClinGen allele CA368220146.